The following is an entry in ClinVar:

NM_007294.4(BRCA1):c.5440dup (p.Ala1814fs)

Gene: BRCA1 (BRCA1 DNA repair associated; minus strand). Cytogenetic location: 17q21.31.
Variant type: Duplication.
Coding change: c.5440dup on transcript NM_007294.4 (MANE Select); coding-DNA position 5440, one base duplicated (G; older notation c.5440dupG).
Protein change: p.Ala1814fs; shifts the reading frame from alanine 1814.
Molecular consequence: frameshift variant. On other transcripts: non-coding transcript variant (1).
Genome position (GRCh38, 1-based): chr17:43,047,670, C duplicated on the plus strand (G on the coding strand, the reverse complement: BRCA1 is on the minus strand). VCF-style (leftmost placement, unchanged base first): chr17-43047669-G-GC. GRCh37 (hg19) VCF-style: chr17-41199686-G-GC.
Other names: c.5440dupG (NM_007294.3); c.5053dup, p.Ala1685Glyfs (NM_001407963.1); c.4978dup, p.Ala1660Glyfs (NM_001407964.1); c.4933dup, p.Ala1645Glyfs (NM_001407965.1); c.4552dup, p.Ala1518Glyfs (NM_001407966.1); c.4549dup, p.Ala1517Glyfs (NM_001407967.1); c.2836dup, p.Ala946Glyfs (NM_001407968.1); c.2833dup, p.Ala945Glyfs (NM_001407969.1); and 87 more; short protein forms A1767fs, A1835fs, C685fs, A1814fs, A710fs.
Identifiers: ClinVar variation 372068 (VCV000372068.10), dbSNP rs1057517637, ClinGen allele CA16042162.

ClinVar aggregate classification (germline): Pathogenic. Review status: criteria provided, multiple submitters, no conflicts (2 of 4 stars). 4 submissions from 4 submitters: Pathogenic (3). 1 of the submissions does not count toward it. Last evaluated 2024-07-12.

Conditions:
Breast-ovarian cancer, familial, susceptibility to, 1 (BROVCA1). Also called: BRCA1 Hereditary Breast and Ovarian Cancer; OVARIAN CANCER, SUSCEPTIBILITY TO. Identifiers: Orphanet 145, MedGen C2676676, MONDO:0011450, OMIM 604370. Disease mechanism: loss of function.
Hereditary cancer-predisposing syndrome. Also called: Neoplastic Syndromes, Hereditary; Hereditary neoplastic syndrome; Hereditary Cancer Syndrome; Tumor predisposition. Identifiers: Orphanet 140162, MedGen C0027672, MeSH D009386, MONDO:0015356.
Hereditary breast ovarian cancer syndrome. Also called: Hereditary breast and ovarian cancer syndrome; Breast and ovarian cancer; Hereditary breast and ovarian cancer syndrome (HBOC); Hereditary breast and/or ovarian cancer syndrome; BRCA1- and BRCA2-Associated Hereditary Breast and Ovarian Cancer; Hereditary breast and ovarian cancer. Identifiers: Orphanet 145, MedGen C0677776, MeSH D061325, MONDO:0003582. Disease mechanism: loss of function.

Allele frequency attached by ClinVar (database versions not stated): gnomAD exomes below 0.00001.

Submissions (4):

Ambry Genetics
Classification: Pathogenic for Hereditary cancer-predisposing syndrome. Last evaluated: 2024-07-12. Review status: criteria provided, single submitter. Criteria: Ambry Variant Classification Scheme 2023. Collection method: clinical testing. Allele origin: germline.
Comment: The c.5440dupG pathogenic mutation, located in coding exon 21 of the BRCA1 gene, results from a duplication of G at nucleotide position 5440, causing a translational frameshift with a predicted alternate stop codon (p.A1814Gfs*16). This alteration occurs at the 3' terminus of theBRCA1 gene, is not expected to trigger nonsense-mediated mRNA decay, and only impacts the last 2.68% of the protein. However, premature stop codons are typically deleterious in nature and the impacted region is critical for protein function (Ambry internal data). This variant was reported in an individual with features consistent with BRCA1-related hereditary breast and ovarian cancer syndrome (Mannan AU et al. J Hum Genet, 2016 Jun;61:515-22). This variant is considered to be rare based on population cohorts in the Genome Aggregation Database (gnomAD). Based on the supporting evidence, this variant is interpreted as a disease-causing mutation.

Labcorp Genetics (formerly Invitae), Labcorp
Classification: Pathogenic for Hereditary breast ovarian cancer syndrome. Last evaluated: 2024-03-15. Review status: criteria provided, single submitter. Criteria: Invitae Variant Classification Sherloc (09022015). Collection method: clinical testing. Allele origin: germline.
Comment: This sequence change creates a premature translational stop signal (p.Ala1814Glyfs*16) in the BRCA1 gene. While this is not anticipated to result in nonsense mediated decay, it is expected to disrupt the last 50 amino acid(s) of the BRCA1 protein. This variant is not present in population databases (gnomAD no frequency). This premature translational stop signal has been observed in individual(s) with breast cancer and/or ovarian cancer (PMID: 26911350). ClinVar contains an entry for this variant (Variation ID: 372068). RNA analysis performed to evaluate the impact of this premature translational stop signal on mRNA splicing indicates it does not significantly alter splicing (Invitae). This variant disrupts the C-terminal end of the BRCA1 protein partially including the BRCT domain (residues 1646-1859), which is important for DNA repair activity (PMID: 11573086, 14576433, 15133503, 25652403). While functional studies have not been performed to directly test the effect on BRCA1 protein function, this suggests that disruption of the C-terminal portion of the protein is functionally important. A different truncation (p.Tyr1853*) that lies downstream of this variant has been determined to be pathogenic (PMID: 21922593, 10811118, 11739404, 12400015, 7894493, Invitae). This suggests that variants that disrupt this region of the protein are likely to be causative of disease. For these reasons, this variant has been classified as Pathogenic.

GeneDx
Classification: Pathogenic. Last evaluated: 2022-11-02. Review status: criteria provided, single submitter. Criteria: GeneDx Variant Classification Process June 2021. Collection method: clinical testing. Allele origin: germline. Affected: yes.
Comment: Frameshift variant predicted to result in protein truncation in a gene for which loss of function is a known mechanism of disease; Truncating variants in this gene are considered pathogenic by a well-established clinical consortium and/or database; Not observed at significant frequency in large population cohorts (gnomAD); Observed in a patient with triple negative breast cancer and a family history of breast cancer (Mannan et al., 2016); Also known as c.5559dup; This variant is associated with the following publications: (PMID: Sharma-Oates2018[Review], 26911350)

Counsyl
Classification: Likely pathogenic for Breast-ovarian cancer, familial, susceptibility to, 1. Last evaluated: 2016-11-11. Review status: no assertion criteria provided. Collection method: clinical testing. Allele origin: unknown. Not counted in ClinVar's aggregate classification.

Literature cited by the submitters: PubMed 26911350 (cited by 3 submitters); PubMed 11573086 (cited by Labcorp Genetics (formerly Invitae), Labcorp); PubMed 14576433 (cited by Labcorp Genetics (formerly Invitae), Labcorp); PubMed 15133503 (cited by Labcorp Genetics (formerly Invitae), Labcorp); PubMed 25652403 (cited by Labcorp Genetics (formerly Invitae), Labcorp); PubMed 21922593 (cited by Labcorp Genetics (formerly Invitae), Labcorp); PubMed 10811118 (cited by Labcorp Genetics (formerly Invitae), Labcorp and Counsyl); PubMed 11739404 (cited by Labcorp Genetics (formerly Invitae), Labcorp); PubMed 12400015 (cited by Labcorp Genetics (formerly Invitae), Labcorp); PubMed 7894493 (cited by Labcorp Genetics (formerly Invitae), Labcorp).